The following is an entry in ClinVar:

ClinVar aggregate classification (germline): Uncertain significance (1 of 4 stars; one submission).

gnomAD v4.1: 1 of 1,609,944 alleles (0.000062%); no homozygotes.

Submission:

Mayo Clinic Laboratories, Mayo Clinic
Classification: Uncertain significance. Last evaluated: 2025-10-09. Review status: criteria provided, single submitter. Criteria: ACMG Guidelines, 2015. Collection method: clinical testing. Allele origin: germline. Observed: 1 variant allele.
Comment: PM2_supporting

NM_002488.5(NDUFA2):c.5C>T (p.Ala2Val)

Genes: NDUFA2 (NADH:ubiquinone oxidoreductase subunit A2; minus strand), TMCO6 (transmembrane and coiled-coil domains 6; plus strand). Cytogenetic location: 5q31.3.
Variant type: single nucleotide variant.
Coding change: c.5C>T on transcript NM_002488.5 (MANE Select); coding-DNA position 5, C replaced by T.
Protein change: p.Ala2Val; replaces alanine 2 with valine.
Molecular consequence: missense variant. On other transcripts: non-coding transcript variant (1).
Genome position (GRCh38, 1-based): chr5:140,647,579, G>A on the plus strand (C>T on the coding strand, the complement: NDUFA2 is on the minus strand). VCF-style: chr5-140647579-G-A. GRCh37 (hg19) VCF-style: chr5-140027164-G-A.
Other names: p.Ala2Val; c.5C>T, p.Ala2Val (NM_001185012.2); short protein forms A2V.
Identifiers: ClinVar variation 4541068 (VCV004541068.1).